The following is an entry in ClinVar:

NM_022089.4(ATP13A2):c.2331C>T (p.His777=)

Gene: ATP13A2 (ATPase cation transporting 13A2; minus strand). Cytogenetic location: 1p36.13.
Variant type: single nucleotide variant.
Coding change: c.2331C>T on transcript NM_022089.4 (MANE Select); coding-DNA position 2331, C replaced by T.
Protein change: p.His777=; no amino-acid change (histidine 777 retained).
Molecular consequence: synonymous variant.
Genome position (GRCh38, 1-based): chr1:16,990,208, G>A on the plus strand (C>T on the coding strand, the complement: ATP13A2 is on the minus strand). VCF-style: chr1-16990208-G-A. GRCh37 (hg19) VCF-style: chr1-17316703-G-A.
Other names: c.2316C>T, p.His772= (NM_001141973.3, NM_001141974.3).
Identifiers: ClinVar variation 293782 (VCV000293782.43), dbSNP rs144708504, ClinGen allele CA636876.

ClinVar aggregate classification (germline): Conflicting classifications of pathogenicity. Review status: criteria provided, conflicting classifications (1 of 4 stars). 7 submissions from 7 submitters: Uncertain significance (2); Likely benign (5). Last evaluated 2026-02-01.

Conditions:
Kufor-Rakeb syndrome (KRS). Also called: PARKINSON DISEASE 9, AUTOSOMAL RECESSIVE, JUVENILE-ONSET. Identifiers: Orphanet 306674, Orphanet 314632, MedGen C1847640, MONDO:0011706, OMIM 606693.
Autosomal recessive spastic paraplegia type 78. Identifiers: Orphanet 513436, MedGen C5567893, MONDO:0014975, OMIM 617225.
Inborn genetic diseases. Identifiers: MedGen C0950123, MeSH D030342.

Allele frequency attached by ClinVar (database versions not stated): ExAC 0.00033; gnomAD exomes 0.00037 and 0.00052; ESP Exome Variant Server 0.00046; gnomAD 0.00048 and 0.00050; TOPMed 0.00048.
gnomAD v4.1: 639 of 1,613,898 alleles (0.04%); highest among the groups gnomAD compares: African/African-American, 0.037%; 2 homozygotes.

Submissions (7):

Labcorp Genetics (formerly Invitae), Labcorp
Classification: Likely benign for Kufor-Rakeb syndrome; Autosomal recessive spastic paraplegia type 78. Last evaluated: 2026-02-01. Review status: criteria provided, single submitter. Criteria: Invitae Variant Classification Sherloc (09022015). Collection method: clinical testing. Allele origin: germline.

Blueprint Genetics
Classification: Likely benign. Last evaluated: 2024-11-12. Review status: criteria provided, single submitter. Criteria: ACMG Guidelines, 2015. Collection method: clinical testing. Allele origin: germline.

CeGaT Center for Human Genetics Tuebingen
Classification: Likely benign. Last evaluated: 2024-05-01. Review status: criteria provided, single submitter. Criteria: CeGaT Center For Human Genetics Tuebingen Variant Classification Criteria Version 2. Collection method: clinical testing. Allele origin: germline. Affected: yes. Observed: 1 variant allele.
Comment: ATP13A2: BP4, BP7

GeneDx
Classification: Likely benign. Last evaluated: 2020-12-24. Review status: criteria provided, single submitter. Criteria: GeneDx Variant Classification Process June 2021. Collection method: clinical testing. Allele origin: germline. Affected: yes.

Illumina Laboratory Services, Illumina
Classification: Uncertain significance for Kufor-Rakeb syndrome. Last evaluated: 2018-01-13. Review status: criteria provided, single submitter. Criteria: ICSL Variant Classification Criteria 13 December 2019. Collection method: clinical testing. Allele origin: germline.

Ambry Genetics
Classification: Likely benign for Inborn genetic diseases. Last evaluated: 2017-06-07. Review status: criteria provided, single submitter. Criteria: Ambry Variant Classification Scheme 2023. Collection method: clinical testing. Allele origin: germline.

Eurofins Ntd Llc (ga)
Classification: Uncertain significance. Last evaluated: 2016-11-01. Review status: criteria provided, single submitter. Criteria: EGL Classification Definitions 2015. Collection method: clinical testing. Allele origin: germline. Observed: 1 variant allele, 1 heterozygote.